The following is an entry in ClinVar:

NM_000394.4(CRYAA):c.*102T>C

Gene: CRYAA (crystallin alpha A; plus strand). Cytogenetic location: 21q22.3.
Variant type: single nucleotide variant.
Coding change: c.*102T>C on transcript NM_000394.4 (MANE Select); 102 bases downstream of the stop codon, T replaced by C.
Molecular consequence: 3 prime UTR variant.
Genome position (GRCh38, 1-based): chr21:43,172,382, T>C. VCF-style: chr21-43172382-T-C. GRCh37 (hg19) VCF-style: chr21-44592492-T-C.
Other names: c.*102T>C (NM_001363766.1).
Identifiers: ClinVar variation 340105 (VCV000340105.6), dbSNP rs569866289, ClinGen allele CA10653012.

ClinVar aggregate classification (germline): Likely benign. Review status: criteria provided, multiple submitters, no conflicts (2 of 4 stars). 2 submissions from 2 submitters: Likely benign (2). Last evaluated 2018-01-13.

Conditions:
Cataract 9 multiple types. Also called: Cataract 9, multiple types, with or without microcornea; Cataract, autosomal recessive congenital 1. Identifiers: Orphanet 1377, MedGen C1858679, MONDO:0011413, OMIM 604219.

Allele frequency attached by ClinVar (database versions not stated): 1000 Genomes Project 0.00319; gnomAD 0.00411.

Submissions (2):

Illumina Laboratory Services, Illumina
Classification: Likely benign for Cataract 9 multiple types. Last evaluated: 2018-01-13. Review status: criteria provided, single submitter. Criteria: ICSL Variant Classification Criteria 13 December 2019. Collection method: clinical testing. Allele origin: germline.
Comment: This variant was observed in the ICSL laboratory as part of a predisposition screen in an ostensibly healthy population. It had not been previously curated by ICSL or reported in the Human Gene Mutation Database (HGMD: prior to June 1st, 2018), and was therefore a candidate for classification through an automated scoring system. Utilizing variant allele frequency, disease prevalence and penetrance estimates, and inheritance mode, an automated score was calculated to assess if this variant is too frequent to cause the disease. Based on the score and internal cut-off values, a variant classified as likely benign is not then subjected to further curation. The score for this variant resulted in a classification of likely benign for this disease.

Breakthrough Genomics
Classification: Likely benign. Review status: criteria provided, single submitter. Criteria: ACMG Guidelines, 2015. Collection method: not provided. Allele origin: germline. Inheritance: Autosomal dominant inheritance. Affected: yes.